The following is an entry in ClinVar:

ClinVar aggregate classification (germline): Uncertain significance. Review status: criteria provided, multiple submitters, no conflicts (2 of 4 stars). 3 submissions from 3 submitters: Uncertain significance (3). Last evaluated 2024-03-04.

Conditions:
Cardiomyopathy (CMYO). Also called: Cardiomyopathies. Identifiers: Orphanet 167848, MedGen C0878544, MONDO:0004994, HP:0001638. Inheritance: Various modes of inheritance.
Catecholaminergic polymorphic ventricular tachycardia (CVPT). Also called: Catecholamine-induced polymorphic ventricular tachycardia. Identifiers: Orphanet 3286, MedGen C5574922, MONDO:0017990.
Catecholaminergic polymorphic ventricular tachycardia 1. Also called: VENTRICULAR TACHYCARDIA, CATECHOLAMINERGIC POLYMORPHIC, 1, WITH OR WITHOUT ATRIAL DYSFUNCTION AND/OR DILATED CARDIOMYOPATHY; VENTRICULAR TACHYCARDIA, STRESS-INDUCED POLYMORPHIC 1; RYR2-Related Catecholaminergic Polymorphic Ventricular Tachycardia. Identifiers: Orphanet 3286, MedGen C1631597, MONDO:0011484, OMIM 604772.

Allele frequency attached by ClinVar (database versions not stated): gnomAD exomes below 0.00001.
gnomAD v4.1: 2 of 1,608,668 alleles (0.00012%); highest among the groups gnomAD compares: South Asian, 0.0011%; no homozygotes.

Submissions (3):

Labcorp Genetics (formerly Invitae), Labcorp
Classification: Uncertain significance for Catecholaminergic polymorphic ventricular tachycardia 1. Last evaluated: 2024-03-04. Review status: criteria provided, single submitter. Criteria: Invitae Variant Classification Sherloc (09022015). Collection method: clinical testing. Allele origin: germline.
Comment: This sequence change replaces glycine, which is neutral and non-polar, with serine, which is neutral and polar, at codon 3657 of the RYR2 protein (p.Gly3657Ser). This variant is not present in population databases (gnomAD no frequency). This variant has not been reported in the literature in individuals affected with RYR2-related conditions. ClinVar contains an entry for this variant (Variation ID: 846614). Advanced modeling of protein sequence and biophysical properties (such as structural, functional, and spatial information, amino acid conservation, physicochemical variation, residue mobility, and thermodynamic stability) performed at Invitae indicates that this missense variant is not expected to disrupt RYR2 protein function with a negative predictive value of 95%. In summary, the available evidence is currently insufficient to determine the role of this variant in disease. Therefore, it has been classified as a Variant of Uncertain Significance.

All of Us Research Program, National Institutes of Health
Classification: Uncertain significance for Catecholaminergic polymorphic ventricular tachycardia. Last evaluated: 2023-11-20. Review status: criteria provided, single submitter. Criteria: ACMG Guidelines, 2015. Collection method: clinical testing. Allele origin: germline. Inheritance: Autosomal dominant inheritance. Observed: 1 variant allele, 1 heterozygote.
Comment: This missense variant replaces glycine with serine at codon 3657 of the RYR2 protein. Computational prediction tools and conservation analyses are inconclusive regarding the impact of this variant on the protein function. Computational splicing tools suggest that this variant may not impact RNA splicing. To our knowledge, functional assays have not been performed for this variant nor has this variant been reported in individuals affected with cardiovascular disorders in the literature. This variant has not been identified in the general population by the Genome Aggregation Database (gnomAD). Available evidence is insufficient to determine the role of this variant in disease conclusively. Therefore, this variant is classified as a Variant of Uncertain Significance.

This study involves interpretation of variants in research participants for the purpose of population health screening. Participant phenotype was not available at the time of variant classification. Additional details can be found in publication PMID: 35346344, PMCID: PMC8962531

Color Diagnostics, LLC DBA Color Health
Classification: Uncertain significance for Cardiomyopathy. Last evaluated: 2023-11-02. Review status: criteria provided, single submitter. Criteria: ACMG Guidelines, 2015. Collection method: clinical testing. Allele origin: germline.
Comment: This missense variant replaces glycine with serine at codon 3657 of the RYR2 protein. Computational prediction suggests that this variant may not impact protein structure and function (internally defined REVEL score threshold <= 0.5, PMID: 27666373). To our knowledge, functional studies have not been reported for this variant. This variant has not been reported in individuals affected with RYR2-related disorders in the literature. This variant has not been identified in the general population by the Genome Aggregation Database (gnomAD). The available evidence is insufficient to determine the role of this variant in disease conclusively. Therefore, this variant is classified as a Variant of Uncertain Significance.

NM_001035.3(RYR2):c.10969G>A (p.Gly3657Ser)

Gene: RYR2 (ryanodine receptor 2; plus strand). Cytogenetic location: 1q43.
Variant type: single nucleotide variant.
Coding change: c.10969G>A on transcript NM_001035.3 (MANE Select); coding-DNA position 10969, G replaced by A.
Protein change: p.Gly3657Ser; replaces glycine 3657 with serine.
Molecular consequence: missense variant.
Genome position (GRCh38, 1-based): chr1:237,732,079, G>A. VCF-style: chr1-237732079-G-A. GRCh37 (hg19) VCF-style: chr1-237895379-G-A.
Other names: short protein forms G3657S.
Identifiers: ClinVar variation 846614 (VCV000846614.16), dbSNP rs1476256919, ClinGen allele CA345418982.